The following is an entry in ClinVar:

NM_004360.5(CDH1):c.2582A>C (p.Tyr861Ser)

Gene: CDH1 (cadherin 1; plus strand). Cytogenetic location: 16q22.1.
Variant type: single nucleotide variant.
Coding change: c.2582A>C on transcript NM_004360.5 (MANE Select); coding-DNA position 2582, A replaced by C.
Protein change: p.Tyr861Ser; replaces tyrosine 861 with serine.
Molecular consequence: missense variant.
Genome position (GRCh38, 1-based): chr16:68,833,432, A>C. VCF-style: chr16-68833432-A-C. GRCh37 (hg19) VCF-style: chr16-68867335-A-C.
Other names: c.2399A>C, p.Tyr800Ser (NM_001317184.2); c.1034A>C, p.Tyr345Ser (NM_001317185.2); c.617A>C, p.Tyr206Ser (NM_001317186.2); short protein forms Y206S, Y345S, Y800S, Y861S.
Identifiers: ClinVar variation 1793388 (VCV001793388.6), dbSNP rs1961542515, ClinGen allele CA396472565.

ClinVar aggregate classification (germline): Uncertain significance. Review status: criteria provided, multiple submitters, no conflicts (2 of 4 stars). 2 submissions from 2 submitters: Uncertain significance (2). Last evaluated 2025-12-24.

Conditions:
Hereditary cancer-predisposing syndrome. Also called: Neoplastic Syndromes, Hereditary; Tumor predisposition; Hereditary neoplastic syndrome; Hereditary Cancer Syndrome. Identifiers: Orphanet 140162, MedGen C0027672, MeSH D009386, MONDO:0015356.
Hereditary diffuse gastric adenocarcinoma (HDGC). Also called: DIFFUSE GASTRIC AND LOBULAR BREAST CANCER SYNDROME. Identifiers: Orphanet 26106, MedGen C1708349, MONDO:0007648, OMIM 137215.

Submissions (2):

Labcorp Genetics (formerly Invitae), Labcorp
Classification: Uncertain significance for Hereditary diffuse gastric adenocarcinoma. Last evaluated: 2025-12-24. Review status: criteria provided, single submitter. Criteria: Invitae Variant Classification Sherloc (09022015). Collection method: clinical testing. Allele origin: germline.
Comment: This sequence change replaces tyrosine, which is neutral and polar, with serine, which is neutral and polar, at codon 861 of the CDH1 protein (p.Tyr861Ser). This variant is not present in population databases (gnomAD no frequency). This variant has not been reported in the literature in individuals affected with CDH1-related conditions. ClinVar contains an entry for this variant (Variation ID: 1793388). An algorithm developed to predict the effect of missense changes on protein structure and function (PolyPhen-2) suggests that this variant is likely to be disruptive. In summary, the available evidence is currently insufficient to determine the role of this variant in disease. Therefore, it has been classified as a Variant of Uncertain Significance.

Ambry Genetics
Classification: Uncertain significance for Hereditary cancer-predisposing syndrome. Last evaluated: 2023-01-31. Review status: criteria provided, single submitter. Criteria: Ambry Variant Classification Scheme 2023. Collection method: clinical testing. Allele origin: germline.
Comment: The p.Y861S variant (also known as c.2582A>C), located in coding exon 16 of the CDH1 gene, results from an A to C substitution at nucleotide position 2582. The tyrosine at codon 861 is replaced by serine, an amino acid with dissimilar properties. This amino acid position is not well conserved in available vertebrate species. In addition, the in silico prediction for this alteration is inconclusive. Since supporting evidence is limited at this time, the clinical significance of this alteration remains unclear.